The following is an entry in ClinVar:

ClinVar aggregate classification (germline): Uncertain significance (1 of 4 stars; one submission).

Conditions:
Developmental and epileptic encephalopathy 94 (DEE94). Also called: Epileptic encephalopathy, childhood-onset; CHD2-Related Neurodevelopmental Disorders. Identifiers: Orphanet 1942, Orphanet 2382, MedGen C3809278, MONDO:0014150, OMIM 615369.

Allele frequency attached by ClinVar (database versions not stated): gnomAD exomes below 0.00001.

Submission:

Labcorp Genetics (formerly Invitae), Labcorp
Classification: Uncertain significance for Developmental and epileptic encephalopathy 94. Last evaluated: 2019-08-25. Review status: criteria provided, single submitter. Criteria: Invitae Variant Classification Sherloc (09022015). Collection method: clinical testing. Allele origin: germline.
Comment: Algorithms developed to predict the effect of missense changes on protein structure and function (SIFT, PolyPhen-2, Align-GVGD) all suggest that this variant is likely to be disruptive, but these predictions have not been confirmed by published functional studies and their clinical significance is uncertain. This variant has not been reported in the literature in individuals with CHD2-related conditions. This variant is not present in population databases (ExAC no frequency). This sequence change replaces glutamine with lysine at codon 549 of the CHD2 protein (p.Gln549Lys). The glutamine residue is highly conserved and there is a small physicochemical difference between glutamine and lysine. In summary, the available evidence is currently insufficient to determine the role of this variant in disease. Therefore, it has been classified as a Variant of Uncertain Significance.

NM_001271.4(CHD2):c.1645C>A (p.Gln549Lys)

Gene: CHD2 (chromodomain helicase DNA binding protein 2; plus strand). Cytogenetic location: 15q26.1.
Variant type: single nucleotide variant.
Coding change: c.1645C>A on transcript NM_001271.4 (MANE Select); coding-DNA position 1645, C replaced by A.
Protein change: p.Gln549Lys; replaces glutamine 549 with lysine.
Molecular consequence: missense variant.
Genome position (GRCh38, 1-based): chr15:92,953,499, C>A. VCF-style: chr15-92953499-C-A. GRCh37 (hg19) VCF-style: chr15-93496729-C-A.
Other names: short protein forms Q549K.
Identifiers: ClinVar variation 963216 (VCV000963216.8), dbSNP rs1392359380, ClinGen allele CA393905190.
Genomic context (GRCh38, chr15:92,953,499, plus strand): 5'-CAACACCAGCTGTATGGCCCCTTTCTTATAGTCGTCCCTTTATCCACCCTCACCTCATGG[C>A]AGAGAGAGTTTGAAATCTGGGCACCAGAGATTAACGTAGTGGTTTACATAGGTGACCTGA-3'
Protein context (NP_001262.3, residues 539-559): VVPLSTLTSW[Gln549Lys]REFEIWAPEI